The following is an entry in ClinVar:

ClinVar aggregate classification (germline): Benign/Likely benign. Review status: criteria provided, multiple submitters, no conflicts (2 of 4 stars). 2 submissions from 2 submitters: Benign (1); Likely benign (1). Last evaluated 2025-12-01.

Allele frequency attached by ClinVar (database versions not stated): ExAC 0.00004; TOPMed 0.00005; gnomAD 0.00006; gnomAD exomes 0.00008; 1000 Genomes Project 30x 0.00031; 1000 Genomes Project 0.00040.
gnomAD v4.1: 127 of 1,614,056 alleles (0.0079%); highest among the groups gnomAD compares: Non-Finnish European, 0.0093%; no homozygotes.

Submissions (2):

CeGaT Center for Human Genetics Tuebingen
Classification: Likely benign. Last evaluated: 2025-12-01. Review status: criteria provided, single submitter. Criteria: CeGaT Center For Human Genetics Tuebingen Variant Classification Criteria Version 2. Collection method: clinical testing. Allele origin: germline. Affected: yes. Observed: 1 variant allele.
Comment: CHD4: BP4, BP7

Labcorp Genetics (formerly Invitae), Labcorp
Classification: Benign. Last evaluated: 2022-09-01. Review status: criteria provided, single submitter. Criteria: Invitae Variant Classification Sherloc (09022015). Collection method: clinical testing. Allele origin: germline.

NM_001273.5(CHD4):c.1137C>T (p.Gly379=)

Gene: CHD4 (chromodomain helicase DNA binding protein 4; minus strand). Cytogenetic location: 12p13.31.
Variant type: single nucleotide variant.
Coding change: c.1137C>T on transcript NM_001273.5 (MANE Select); coding-DNA position 1137, C replaced by T.
Protein change: p.Gly379=; no amino-acid change (glycine 379 retained).
Molecular consequence: synonymous variant.
Genome position (GRCh38, 1-based): chr12:6,600,322, G>A on the plus strand (C>T on the coding strand, the complement: CHD4 is on the minus strand). VCF-style: chr12-6600322-G-A. GRCh37 (hg19) VCF-style: chr12-6709488-G-A.
Other names: c.1116C>T, p.Gly372= (NM_001297553.2); c.1098C>T, p.Gly366= (NM_001363606.2).
Identifiers: ClinVar variation 2070310 (VCV002070310.9), dbSNP rs187481499, ClinGen allele CA6412300.
Genomic context (GRCh38, chr12:6,600,322, plus strand): 5'-GGGATCCAGGCAGACCATGTGGTAAGCACGGGGACAGGTATCACACAGGATGATCTCACC[G>A]CCTTGCTGGCACACCTCGCAATAGTCCTGGTGGTCTGTCTCATAACCATCCACAGCAGTC-3'
Protein context (NP_001264.2, residues 369-389): HQDYCEVCQQ[Gly379=]GEIILCDTCP